The following is an entry in ClinVar:

ClinVar aggregate classification (germline): Uncertain significance (1 of 4 stars; one submission).

Conditions:
Hereditary sensory and autonomic neuropathy type 6. Also called: Neuropathy, hereditary sensory and autonomic, type VI; HSAN VI. Identifiers: Orphanet 314381, MedGen C3539003, MONDO:0013839, OMIM 614653.
Epidermolysis bullosa simplex 3, localized or generalized intermediate, with BP230 deficiency (EBS3). Also called: Epidermolysis bullosa simplex due to BP230 deficiency; Epidermolysis bullosa simplex, autosomal recessive 2. Identifiers: Orphanet 412181, MedGen C3809470, MONDO:0014180, OMIM 615425.

Allele frequency attached by ClinVar (database versions not stated): TOPMed below 0.00001; gnomAD 0.00001.
gnomAD v4.1: 2 of 1,613,638 alleles (0.00012%); highest among the groups gnomAD compares: African/African-American, 0.0013%; no homozygotes.

Submission:

Labcorp Genetics (formerly Invitae), Labcorp
Classification: Uncertain significance for Epidermolysis bullosa simplex 3, localized or generalized intermediate, with BP230 deficiency; Hereditary sensory and autonomic neuropathy type 6. Last evaluated: 2025-10-02. Review status: criteria provided, single submitter. Criteria: Invitae Variant Classification Sherloc (09022015). Collection method: clinical testing. Allele origin: germline.
Comment: The DST gene has multiple clinically relevant transcripts. This variant occurs in alternate transcript NM_015548.4, and corresponds to NM_001723.5:c.*106941C>A in the primary transcript. This sequence change replaces proline, which is neutral and non-polar, with threonine, which is neutral and polar, at codon 3775 of the DST protein (p.Pro3775Thr). This variant is not present in population databases (gnomAD no frequency). This variant has not been reported in the literature in individuals affected with DST-related conditions. Experimental studies and prediction algorithms are not available or were not evaluated, and the functional significance of this variant is currently unknown. In summary, the available evidence is currently insufficient to determine the role of this variant in disease. Therefore, it has been classified as a Variant of Uncertain Significance.

NM_001374736.1(DST):c.19192C>A (p.Pro6398Thr)

Gene: DST (dystonin; minus strand). Cytogenetic location: 6p12.1.
Variant type: single nucleotide variant.
Coding change: c.19192C>A on transcript NM_001374736.1 (MANE Select); coding-DNA position 19192, C replaced by A.
Protein change: p.Pro6398Thr; replaces proline 6398 with threonine.
Molecular consequence: missense variant.
Genome position (GRCh38, 1-based): chr6:56,508,576, G>T on the plus strand (C>A on the coding strand, the complement: DST is on the minus strand). VCF-style: chr6-56508576-G-T. GRCh37 (hg19) VCF-style: chr6-56373374-G-T.
Other names: c.12835C>A, p.Pro4279Thr (NM_001144769.5); c.12421C>A, p.Pro4141Thr (NM_001144770.2); c.19192C>A, p.Pro6398Thr (NM_001374722.1); c.18232C>A, p.Pro6078Thr (NM_001374729.1); c.11974C>A, p.Pro3992Thr (NM_001374730.1); c.19219C>A, p.Pro6407Thr (NM_001374734.1); c.12301C>A, p.Pro4101Thr (NM_001386100.1, NM_183380.4); c.11323C>A, p.Pro3775Thr (NM_015548.5); short protein forms P3992T, P4279T, P4101T, P6398T, P6407T, P3775T, P4141T, P6078T.
Identifiers: ClinVar variation 1464845 (VCV001464845.6), dbSNP rs2096396636, ClinGen allele CA364523419.